The following is an entry in ClinVar:

ClinVar aggregate classification (germline): Uncertain significance. Review status: criteria provided, multiple submitters, no conflicts (2 of 4 stars). 2 submissions from 2 submitters: Uncertain significance (2). Last evaluated 2026-01-13.

Conditions:
Hereditary cancer-predisposing syndrome. Also called: Tumor predisposition; Hereditary neoplastic syndrome; Hereditary Cancer Syndrome; Neoplastic Syndromes, Hereditary. Identifiers: Orphanet 140162, MedGen C0027672, MeSH D009386, MONDO:0015356.
Familial adenomatous polyposis 1 (FAP1). Also called: FAMILIAL ADENOMATOUS POLYPOSIS 1, ATTENUATED; POLYPOSIS, ADENOMATOUS INTESTINAL. Identifiers: MedGen C2713442, MONDO:0021056, OMIM 175100. Disease mechanism: loss of function.

Submissions (2):

Ambry Genetics
Classification: Uncertain significance for Hereditary cancer-predisposing syndrome. Last evaluated: 2026-01-13. Review status: criteria provided, single submitter. Criteria: Ambry Variant Classification Scheme 2023. Collection method: clinical testing. Allele origin: germline.
Comment: The p.T2841I variant (also known as c.8522C>T), located in coding exon 15 of the APC gene, results from a C to T substitution at nucleotide position 8522. The threonine at codon 2841 is replaced by isoleucine, an amino acid with similar properties. This amino acid position is highly conserved in available vertebrate species. In addition, in silico predictors for this gene do not accurately predict pathogenicity. Missense variants in APC are not a common cause of disease (Spier I et al. Genet Med. 2024 Feb;26(2):100992). Based on the available evidence, the clinical significance of this variant remains unclear.

Labcorp Genetics (formerly Invitae), Labcorp
Classification: Uncertain significance for Familial adenomatous polyposis 1. Last evaluated: 2025-08-09. Review status: criteria provided, single submitter. Criteria: Invitae Variant Classification Sherloc (09022015). Collection method: clinical testing. Allele origin: germline.
Comment: This sequence change replaces threonine, which is neutral and polar, with isoleucine, which is neutral and non-polar, at codon 2841 of the APC protein (p.Thr2841Ile). This variant is not present in population databases (gnomAD no frequency). This variant has not been reported in the literature in individuals affected with APC-related conditions. ClinVar contains an entry for this variant (Variation ID: 941911). Invitae Evidence Modeling of protein sequence and biophysical properties (such as structural, functional, and spatial information, amino acid conservation, physicochemical variation, residue mobility, and thermodynamic stability) indicates that this missense variant is not expected to disrupt APC protein function with a negative predictive value of 95%. In summary, the available evidence is currently insufficient to determine the role of this variant in disease. Therefore, it has been classified as a Variant of Uncertain Significance.

NM_000038.6(APC):c.8522C>T (p.Thr2841Ile)

Gene: APC (APC regulator of Wnt signaling pathway; plus strand). Cytogenetic location: 5q22.2.
Variant type: single nucleotide variant.
Coding change: c.8522C>T on transcript NM_000038.6 (MANE Select); coding-DNA position 8522, C replaced by T.
Protein change: p.Thr2841Ile; replaces threonine 2841 with isoleucine.
Molecular consequence: missense variant.
Genome position (GRCh38, 1-based): chr5:112,844,116, C>T. VCF-style: chr5-112844116-C-T. GRCh37 (hg19) VCF-style: chr5-112179813-C-T.
Other names: c.8522C>T, p.Thr2841Ile (NM_001127510.3, NM_001354895.2); c.8468C>T, p.Thr2823Ile (NM_001127511.3); c.8576C>T, p.Thr2859Ile (NM_001354896.2); c.8552C>T, p.Thr2851Ile (NM_001354897.2); c.8447C>T, p.Thr2816Ile (NM_001354898.2); c.8438C>T, p.Thr2813Ile (NM_001354899.2); c.8399C>T, p.Thr2800Ile (NM_001354900.2); c.8345C>T, p.Thr2782Ile (NM_001354901.2); and 5 more; short protein forms T2558I, T2681I, T2823I, T2841I, T2859I, T2715I, T2816I, T2740I.
Identifiers: ClinVar variation 941911 (VCV000941911.6), dbSNP rs1766770439, ClinGen allele CA16039814.
Genomic context (GRCh38, chr5:112,844,116, plus strand): 5'-ACAGCACAGAATCCAGTGGAACCCAAAGTCCTAAGCGCCATTCTGGGTCTTACCTTGTGA[C>T]ATCTGTTTAAAAGAGAGGAAGAATGAAACTAAGAAAATTCTATGTTAATTACAACTGCTA-3'
Protein context (NP_000029.2, residues 2831-2843): PKRHSGSYLV[Thr2841Ile]SV